The following is an entry in ClinVar:

NM_005901.6(SMAD2):c.520+4G>A

Gene: SMAD2 (SMAD family member 2; minus strand). Cytogenetic location: 18q21.1.
Variant type: single nucleotide variant.
Coding change: c.520+4G>A on transcript NM_005901.6 (MANE Select); 4 bases into the intron after coding-DNA position 520, G replaced by A.
Molecular consequence: intron variant.
Genome position (GRCh38, 1-based): chr18:47,869,239, C>T on the plus strand (G>A on the coding strand, the complement: SMAD2 is on the minus strand). VCF-style: chr18-47869239-C-T. GRCh37 (hg19) VCF-style: chr18-45395610-C-T.
Other names: c.430+4G>A (NM_001135937.3); c.520+4G>A (NM_001003652.4).
Identifiers: ClinVar variation 1435279 (VCV001435279.8), dbSNP rs764335408, ClinGen allele CA8956256.

ClinVar aggregate classification (germline): Uncertain significance. Review status: criteria provided, multiple submitters, no conflicts (2 of 4 stars). 2 submissions from 2 submitters: Uncertain significance (2). Last evaluated 2025-10-13.

Allele frequency attached by ClinVar (database versions not stated): gnomAD exomes 0.00002; TOPMed 0.00002; ExAC 0.00003; gnomAD 0.00003 and 0.00004.
gnomAD v4.1: 36 of 1,608,904 alleles (0.0022%); highest among the groups gnomAD compares: Non-Finnish European, 0.0031%; no homozygotes.

Submissions (2):

Labcorp Genetics (formerly Invitae), Labcorp
Classification: Uncertain significance. Last evaluated: 2025-10-13. Review status: criteria provided, single submitter. Criteria: Invitae Variant Classification Sherloc (09022015). Collection method: clinical testing. Allele origin: germline.
Comment: This sequence change falls in intron 4 of the SMAD2 gene. It does not directly change the encoded amino acid sequence of the SMAD2 protein. It affects a nucleotide within the consensus splice site. This variant is present in population databases (rs764335408, gnomAD 0.005%). This variant has been observed in individual(s) with clinical features of SMAD2-related conditions (internal data). ClinVar contains an entry for this variant (Variation ID: 1435279). Variants that disrupt the consensus splice site are a relatively common cause of aberrant splicing (PMID: 17576681, 9536098). Algorithms developed to predict the effect of sequence changes on RNA splicing suggest that this variant is not likely to affect RNA splicing. In summary, the available evidence is currently insufficient to determine the role of this variant in disease. Therefore, it has been classified as a Variant of Uncertain Significance.

Women's Health and Genetics/Laboratory Corporation of America, LabCorp
Classification: Uncertain significance. Last evaluated: 2025-04-11. Review status: criteria provided, single submitter. Criteria: LabCorp Variant Classification Summary - May 2015. Collection method: clinical testing. Allele origin: germline.

Literature cited by the submitters: PubMed 17576681 (cited by Labcorp Genetics (formerly Invitae), Labcorp); PubMed 9536098 (cited by Labcorp Genetics (formerly Invitae), Labcorp).